The following is an entry in ClinVar:

ClinVar aggregate classification (germline): Uncertain significance (1 of 4 stars; one submission).

Conditions:
ADCY3-related disorder. Also called: ADCY3-related condition.

Submission:

PreventionGenetics, part of Exact Sciences
Classification: Uncertain significance for ADCY3-related condition. Last evaluated: 2026-03-04. Review status: criteria provided, single submitter. Criteria: ACMG Guidelines, 2015. Collection method: clinical testing. Allele origin: germline.
Comment: The ADCY3 c.662A>T variant is predicted to result in the amino acid substitution p.Gln221Leu. To our knowledge, this variant has not been reported in the literature or in a large population database (gnomAD), indicating this variant is rare. At this time, the clinical significance of this variant is uncertain due to the absence of conclusive functional and genetic evidence.

NM_004036.5(ADCY3):c.662A>T (p.Gln221Leu)

Gene: ADCY3 (adenylate cyclase 3; minus strand). Cytogenetic location: 2p23.3.
Variant type: single nucleotide variant.
Coding change: c.662A>T on transcript NM_004036.5 (MANE Select); coding-DNA position 662, A replaced by T.
Protein change: p.Gln221Leu; replaces glutamine 221 with leucine.
Molecular consequence: missense variant.
Genome position (GRCh38, 1-based): chr2:24,918,326, T>A on the plus strand (A>T on the coding strand, the complement: ADCY3 is on the minus strand). VCF-style: chr2-24918326-T-A. GRCh37 (hg19) VCF-style: chr2-25141195-T-A.
Other names: c.662A>T, p.Gln221Leu (NM_001320613.2, NM_001377128.1, NM_001377129.1 and 2 more transcripts); short protein forms Q221L.
Identifiers: ClinVar variation 4977818 (VCV004977818.1).